The following is an entry in ClinVar:

NM_018062.4(FANCL):c.71T>C (p.Val24Ala)

Gene: FANCL (FA complementation group L; minus strand). Cytogenetic location: 2p16.1.
Variant type: single nucleotide variant.
Coding change: c.71T>C on transcript NM_018062.4 (MANE Select); coding-DNA position 71, T replaced by C.
Protein change: p.Val24Ala; replaces valine 24 with alanine.
Molecular consequence: missense variant. On other transcripts: non-coding transcript variant (2).
Genome position (GRCh38, 1-based): chr2:58,241,243, A>G on the plus strand (T>C on the coding strand, the complement: FANCL is on the minus strand). VCF-style: chr2-58241243-A-G. GRCh37 (hg19) VCF-style: chr2-58468378-A-G.
Other names: c.71T>C, p.Val24Ala (NM_001114636.2, NM_001374615.1, NM_001410792.1 and 4 more transcripts); short protein forms V24A.
Identifiers: ClinVar variation 4801353 (VCV004801353.1).

ClinVar aggregate classification (germline): Uncertain significance (1 of 4 stars; one submission).

Conditions:
Fanconi anemia (FA). Also called: Fanconi's anemia. Identifiers: Orphanet 84, MedGen C0015625, MeSH D005199, MONDO:0019391.

gnomAD v4.1: 21 of 1,614,078 alleles (0.0013%); highest among the groups gnomAD compares: Non-Finnish European, 0.0017%; no homozygotes.

Submission:

Labcorp Genetics (formerly Invitae), Labcorp
Classification: Uncertain significance for Fanconi anemia. Last evaluated: 2025-08-12. Review status: criteria provided, single submitter. Criteria: Invitae Variant Classification Sherloc (09022015). Collection method: clinical testing. Allele origin: germline.
Comment: This sequence change replaces valine, which is neutral and non-polar, with alanine, which is neutral and non-polar, at codon 24 of the FANCL protein (p.Val24Ala). This variant is present in population databases (no rsID available, gnomAD 0.002%). This variant has not been reported in the literature in individuals affected with FANCL-related conditions. An algorithm developed to predict the effect of missense changes on protein structure and function (PolyPhen-2) suggests that this variant is likely to be tolerated. In summary, the available evidence is currently insufficient to determine the role of this variant in disease. Therefore, it has been classified as a Variant of Uncertain Significance.